The following is an entry in ClinVar:

ClinVar aggregate classification (germline): Uncertain significance. Review status: criteria provided, multiple submitters, no conflicts (2 of 4 stars). 2 submissions from 2 submitters: Uncertain significance (2). Last evaluated 2023-02-07.

Conditions:
Birt-Hogg-Dube syndrome. Also called: Birt Hogg Dubé syndrome. Identifiers: Orphanet 122, MedGen C0346010, MONDO:0800444.

Submissions (2):

GeneDx
Classification: Uncertain significance. Last evaluated: 2023-02-07. Review status: criteria provided, single submitter. Criteria: GeneDx Variant Classification Process June 2021. Collection method: clinical testing. Allele origin: germline. Affected: yes.
Comment: Not observed at significant frequency in large population cohorts (gnomAD); In silico analysis supports that this missense variant does not alter protein structure/function; Has not been previously published as pathogenic or benign to our knowledge

Labcorp Genetics (formerly Invitae), Labcorp
Classification: Uncertain significance for Birt-Hogg-Dube syndrome. Last evaluated: 2022-10-24. Review status: criteria provided, single submitter. Criteria: Invitae Variant Classification Sherloc (09022015). Collection method: clinical testing. Allele origin: germline.
Comment: This sequence change replaces lysine, which is basic and polar, with asparagine, which is neutral and polar, at codon 105 of the FLCN protein (p.Lys105Asn). This variant is not present in population databases (gnomAD no frequency). This variant has not been reported in the literature in individuals affected with FLCN-related conditions. ClinVar contains an entry for this variant (Variation ID: 1500875). Advanced modeling of protein sequence and biophysical properties (such as structural, functional, and spatial information, amino acid conservation, physicochemical variation, residue mobility, and thermodynamic stability) performed at Invitae indicates that this missense variant is not expected to disrupt FLCN protein function. In summary, the available evidence is currently insufficient to determine the role of this variant in disease. Therefore, it has been classified as a Variant of Uncertain Significance.

NM_144997.7(FLCN):c.315A>C (p.Lys105Asn)

Gene: FLCN (folliculin; minus strand). Cytogenetic location: 17p11.2.
Variant type: single nucleotide variant.
Coding change: c.315A>C on transcript NM_144997.7 (MANE Select); coding-DNA position 315, A replaced by C.
Protein change: p.Lys105Asn; replaces lysine 105 with asparagine.
Molecular consequence: missense variant.
Genome position (GRCh38, 1-based): chr17:17,226,257, T>G on the plus strand (A>C on the coding strand, the complement: FLCN is on the minus strand). VCF-style: chr17-17226257-T-G. GRCh37 (hg19) VCF-style: chr17-17129571-T-G.
Other names: c.315A>C (NM_144997.5); c.315A>C, p.Lys105Asn (NM_001353229.2, NM_001353230.2, NM_001353231.2 and 1 more transcripts); short protein forms K105N.
Identifiers: ClinVar variation 1500875 (VCV001500875.9), dbSNP rs759011359, ClinGen allele CA398534860.